The following is an entry in ClinVar:

ClinVar aggregate classification (germline): Benign/Likely benign. Review status: criteria provided, multiple submitters, no conflicts (2 of 4 stars). 13 submissions from 13 submitters: Benign (7); Likely benign (3). 3 of the submissions do not count toward it. Last evaluated 2026-02-03.

Conditions:
Collagen 6-related myopathy. Identifiers: MedGen CN117976, MONDO:0100225.
Bethlem myopathy 1A. Also called: MYOPATHY, BENIGN CONGENITAL, WITH CONTRACTURES; Bethlem Muscular Dystrophy; Bethlem myopathy 1. Identifiers: Orphanet 610, MedGen CN029274, MONDO:0024530, OMIM 158810.

Allele frequency attached by ClinVar (database versions not stated): 1000 Genomes Project 30x 0.01031; 1000 Genomes Project 0.01038; ExAC 0.01274; gnomAD 0.01356 and 0.01385; gnomAD exomes 0.01373 and 0.01710; TOPMed 0.01518; ESP Exome Variant Server 0.01545.
gnomAD v4.1: 27,138 of 1,614,142 alleles (1.7%); highest among the groups gnomAD compares: Admixed American, 2.1%; 291 homozygotes.

Submissions (13):

Labcorp Genetics (formerly Invitae), Labcorp
Classification: Benign for Bethlem myopathy 1A. Last evaluated: 2026-02-03. Review status: criteria provided, single submitter. Criteria: Invitae Variant Classification Sherloc (09022015). Collection method: clinical testing. Allele origin: germline.

Blueprint Genetics
Classification: Likely benign. Last evaluated: 2024-11-26. Review status: criteria provided, single submitter. Criteria: ACMG Guidelines, 2015. Collection method: clinical testing. Allele origin: germline.

Athena Diagnostics
Classification: Benign. Last evaluated: 2024-06-10. Review status: criteria provided, single submitter. Criteria: Athena Diagnostics Criteria. Collection method: clinical testing. Allele origin: unknown.

Illumina Laboratory Services, Illumina
Classification: Benign for Collagen VI-related myopathy. Last evaluated: 2018-01-13. Review status: criteria provided, single submitter. Criteria: ICSL Variant Classification Criteria 13 December 2019. Collection method: clinical testing. Allele origin: germline.
Comment: This variant was observed in the ICSL laboratory as part of a predisposition screen in an ostensibly healthy population. It had not been previously curated by ICSL or reported in the Human Gene Mutation Database (HGMD: prior to June 1st, 2018), and was therefore a candidate for classification through an automated scoring system. Utilizing variant allele frequency, disease prevalence and penetrance estimates, and inheritance mode, an automated score was calculated to assess if this variant is too frequent to cause the disease. Based on the score and internal cut-off values, a variant classified as benign is not then subjected to further curation. The score for this variant resulted in a classification of benign for this disease.

Mayo Clinic Laboratories, Mayo Clinic
Classification: Benign. Last evaluated: 2017-12-21. Review status: criteria provided, single submitter. Criteria: ACMG Guidelines, 2015. Collection method: clinical testing. Allele origin: germline. Observed: 24 variant alleles.

GeneDx
Classification: Benign. Last evaluated: 2016-03-03. Review status: criteria provided, single submitter. Criteria: GeneDx Variant Classification (06012015). Collection method: clinical testing. Allele origin: germline. Affected: yes.
Comment: This variant is considered likely benign or benign based on one or more of the following criteria: it is a conservative change, it occurs at a poorly conserved position in the protein, it is predicted to be benign by multiple in silico algorithms, and/or has population frequency not consistent with disease.

Genetic Services Laboratory, University of Chicago
Classification: Benign for AllHighlyPenetrant. Last evaluated: 2013-08-15. Review status: criteria provided, single submitter. Criteria: ACMG Guidelines, 2007. Collection method: clinical testing. Allele origin: germline.

Eurofins Ntd Llc (ga)
Classification: Benign. Last evaluated: 2012-11-02. Review status: criteria provided, single submitter. Criteria: EGL Classification Definitions 2015. Collection method: clinical testing. Allele origin: germline. Observed: 2 variant alleles, 2 heterozygotes.

Breakthrough Genomics
Classification: Likely benign. Review status: criteria provided, single submitter. Criteria: ACMG Guidelines, 2015. Collection method: not provided. Allele origin: germline. Inheritance: Autosomal recessive inheritance. Affected: yes.

PreventionGenetics, part of Exact Sciences
Classification: Likely benign. Review status: criteria provided, single submitter. Criteria: ACMG Guidelines, 2015. Collection method: clinical testing. Allele origin: germline.

Clinical Genetics, Academic Medical Center
Classification: Benign. Review status: no assertion criteria provided. Collection method: clinical testing. Allele origin: germline. Affected: yes. Study: VKGL Data-share Consensus. Not counted in ClinVar's aggregate classification.

Joint Genome Diagnostic Labs from Nijmegen and Maastricht, Radboudumc and MUMC+
Classification: Benign. Review status: no assertion criteria provided. Collection method: clinical testing. Allele origin: germline. Affected: yes. Study: VKGL Data-share Consensus. Not counted in ClinVar's aggregate classification.

Laboratory of Diagnostic Genome Analysis, Leiden University Medical Center (LUMC)
Classification: Likely benign. Review status: no assertion criteria provided. Collection method: clinical testing. Allele origin: germline. Affected: yes. Study: VKGL Data-share Consensus. Not counted in ClinVar's aggregate classification.

Literature cited by the submitters: PubMed 20976770 (cited by Athena Diagnostics).

NM_004369.4(COL6A3):c.9411T>C (p.Cys3137=)

Genes: COL6A3 (collagen type VI alpha 3 chain; minus strand), LOC126806573 (CDK7 strongly-dependent group 2 enhancer GRCh37_chr2:238233151-238234350; plus strand). Cytogenetic location: 2q37.3.
Variant type: single nucleotide variant.
Coding change: c.9411T>C on transcript NM_004369.4 (MANE Select); coding-DNA position 9411, T replaced by C.
Protein change: p.Cys3137=; no amino-acid change (cysteine 3137 retained).
Molecular consequence: synonymous variant.
Genome position (GRCh38, 1-based): chr2:237,325,642, A>G on the plus strand (T>C on the coding strand, the complement: COL6A3 is on the minus strand). VCF-style: chr2-237325642-A-G. GRCh37 (hg19) VCF-style: chr2-238234285-A-G.
Other names: p.Cys3137=; c.7590T>C, p.Cys2530= (NM_057166.5); c.8793T>C, p.Cys2931= (NM_057167.4).
Identifiers: ClinVar variation 95021 (VCV000095021.33), dbSNP rs112290343, ClinGen allele CA148104.